The following is an entry in ClinVar:

ClinVar aggregate classification (germline): Likely pathogenic (1 of 4 stars; one submission).

Conditions:
Neurodevelopmental disorder with impaired speech and hyperkinetic movements. Identifiers: MedGen C5193088, MONDO:0032741, OMIM 618425.

Submission:

Juno Genomics, Hangzhou Juno Genomics, Inc
Classification: Likely pathogenic for Neurodevelopmental disorder with impaired speech and hyperkinetic movements. Review status: criteria provided, single submitter. Criteria: ACMG Guidelines, 2015. Collection method: clinical testing. Allele origin: germline.
Comment: Null variant in a gene where loss of function (LOF) is a known mechanism of disease.;Absent from controls (or at extremely low frequency if recessive) in Genome Aggregation Database.

NM_001379659.1(ZNF142):c.4045_4048del (p.Thr1348_Ala1349insTer)

Gene: ZNF142 (zinc finger protein 142; minus strand). Cytogenetic location: 2q35.
Variant type: Deletion.
Coding change: c.4045_4048del on transcript NM_001379659.1 (MANE Select); coding-DNA positions 4045 to 4048, 4 bases deleted (GCCT; older notation c.4045_4048delGCCT).
Protein change: p.Thr1348_Ala1349insTer.
Molecular consequence: nonsense. On other transcripts: frameshift variant (5).
Genome position (GRCh38, 1-based): chr2:218,643,068-218,643,071, AGGC deleted on the plus strand (GCCT on the coding strand, the reverse complement: ZNF142 is on the minus strand); deleting any 4 consecutive bases within chr2:218,643,068-218,643,073 gives the same sequence; the c. name uses the placement nearest the transcript's 3' end. VCF-style (leftmost placement, unchanged base first): chr2-218643067-AAGGC-A. GRCh37 (hg19) VCF-style: chr2-219507790-AAGGC-A.
Other names: c.4045_4048del, p.Thr1348_Ala1349insTer (NM_001379660.1, NM_001379661.1, NM_001366290.3); c.3445_3448del, p.Thr1148_Ala1149insTer (NM_001379662.1); c.3443_3446delCTGC, p.Ala1149Terfs (NM_001105537.5, NM_001366291.3); c.2954_2957delCTGC, p.Ala986Terfs (NM_001366287.3, NM_001366288.3, NM_001366289.3).
Identifiers: ClinVar variation 5006211 (VCV005006211.2).
Genomic context (GRCh38, chr2:218,643,067, plus strand): 5'-TGGGGCCGGGGCCCACGGGCTGGGGCTGCAGTGGGGTGCCTCCGCTTCTGGTGGAGCCTT[AAGGC>A]AGTGGCAGCAGGAGCAGTGAATGGGCAGAGGCTGCAGTGCAGCTCTCCAGACTCCTCGAG-3'